The following is an entry in ClinVar:

NM_000246.4(CIITA):c.1345T>G (p.Phe449Val)

Gene: CIITA (class II major histocompatibility complex transactivator; plus strand). Cytogenetic location: 16p13.13.
Variant type: single nucleotide variant.
Coding change: c.1345T>G on transcript NM_000246.4 (MANE Select); coding-DNA position 1345, T replaced by G.
Protein change: p.Phe449Val; replaces phenylalanine 449 with valine.
Molecular consequence: missense variant. On other transcripts: intron variant (1).
Genome position (GRCh38, 1-based): chr16:10,906,837, T>G. VCF-style: chr16-10906837-T-G. GRCh37 (hg19) VCF-style: chr16-11000694-T-G.
Other names: c.1348T>G, p.Phe450Val (NM_001286402.1, NM_001379332.1); c.1201T>G, p.Phe401Val (NM_001379330.1); c.1198T>G, p.Phe400Val (NM_001379331.1); c.1345T>G, p.Phe449Val (NM_001379333.1); c.1276T>G, p.Phe426Val (NM_001379334.1); c.859+2025T>G (NM_001286403.2); short protein forms F426V, F450V, F449V, F400V, F401V.
Identifiers: ClinVar variation 5002687 (VCV005002687.1).

ClinVar aggregate classification (germline): Uncertain significance (1 of 4 stars; one submission).

gnomAD v4.1: 7 of 1,613,164 alleles (0.00043%); highest among the groups gnomAD compares: African/African-American, 0.0093%; no homozygotes.

Submission:

OLLIN Analises Genomicas, OLLIN
Classification: Uncertain significance. Last evaluated: 2026-08-06. Review status: criteria provided, single submitter. Criteria: ACMG Guidelines 2015 PMID 25741868. Collection method: clinical testing. Allele origin: germline.
Comment: This missense variant, located in exon 11 (of 20), has been observed in gnomAD with an allele frequency of 0.00043%, but has not been reported in ClinVar or identified in the literature. In silico analysis predicts that this variant has a deleterious effect. This gene has high tolerance to missense variation. According to the currently available evidence, this variant has been classified as uncertain significance (PM2_P, PP3_M, BP1).